The following is an entry in ClinVar:

NM_182914.3(SYNE2):c.12226G>A (p.Glu4076Lys)

Gene: SYNE2 (spectrin repeat containing nuclear envelope protein 2; plus strand). Cytogenetic location: 14q23.2.
Variant type: single nucleotide variant.
Coding change: c.12226G>A on transcript NM_182914.3 (MANE Select); coding-DNA position 12226, G replaced by A.
Protein change: p.Glu4076Lys; replaces glutamic acid 4076 with lysine.
Molecular consequence: missense variant.
Genome position (GRCh38, 1-based): chr14:64,098,066, G>A. VCF-style: chr14-64098066-G-A. GRCh37 (hg19) VCF-style: chr14-64564784-G-A.
Other names: c.12226G>A, p.Glu4076Lys (NM_015180.6); short protein forms E4076K.
Identifiers: ClinVar variation 578518 (VCV000578518.8), dbSNP rs1567288490, ClinGen allele CA389952702.

ClinVar aggregate classification (germline): Uncertain significance (1 of 4 stars; one submission).

Conditions:
Emery-Dreifuss muscular dystrophy 5, autosomal dominant (EDMD5). Also called: EMERY-DREIFUSS MUSCULAR DYSTROPHY 5. Identifiers: Orphanet 261, MedGen C2751805, MONDO:0013072, OMIM 612999.

Allele frequency attached by ClinVar (database versions not stated): TOPMed below 0.00001.

Submission:

Labcorp Genetics (formerly Invitae), Labcorp
Classification: Uncertain significance for Emery-Dreifuss muscular dystrophy 5, autosomal dominant. Last evaluated: 2022-06-04. Review status: criteria provided, single submitter. Criteria: Invitae Variant Classification Sherloc (09022015). Collection method: clinical testing. Allele origin: germline.
Comment: This sequence change replaces glutamic acid, which is acidic and polar, with lysine, which is basic and polar, at codon 4076 of the SYNE2 protein (p.Glu4076Lys). This variant is not present in population databases (gnomAD no frequency). This variant has not been reported in the literature in individuals affected with SYNE2-related conditions. ClinVar contains an entry for this variant (Variation ID: 578518). Algorithms developed to predict the effect of missense changes on protein structure and function (SIFT, PolyPhen-2, Align-GVGD) all suggest that this variant is likely to be tolerated. In summary, the available evidence is currently insufficient to determine the role of this variant in disease. Therefore, it has been classified as a Variant of Uncertain Significance.